The following is an entry in ClinVar:

NM_018979.4(WNK1):c.4667G>T (p.Gly1556Val)

Gene: WNK1 (WNK lysine deficient protein kinase 1; plus strand). Cytogenetic location: 12p13.33.
Variant type: single nucleotide variant.
Coding change: c.4667G>T on transcript NM_018979.4 (MANE Select); coding-DNA position 4667, G replaced by T.
Protein change: p.Gly1556Val; replaces glycine 1556 with valine.
Molecular consequence: missense variant.
Genome position (GRCh38, 1-based): chr12:885,471, G>T. VCF-style: chr12-885471-G-T. GRCh37 (hg19) VCF-style: chr12-994637-G-T.
Other names: c.5447G>T, p.Gly1816Val (NM_001184985.2); c.3926G>T, p.Gly1309Val (NM_014823.3); c.5423G>T, p.Gly1808Val (NM_213655.5); short protein forms G1808V, G1556V, G1309V, G1816V.
Identifiers: ClinVar variation 2015177 (VCV002015177.4), dbSNP rs1953566481, ClinGen allele CA383331687.

ClinVar aggregate classification (germline): Uncertain significance (1 of 4 stars; one submission).

Conditions:
Neuropathy, hereditary sensory and autonomic, type 2A (HSAN2A). Also called: ACROOSTEOLYSIS, GIACCAI TYPE; ACROOSTEOLYSIS, NEUROGENIC; MORVAN DISEASE; NEUROPATHY, CONGENITAL SENSORY; NEUROPATHY, HEREDITARY SENSORY RADICULAR, AUTOSOMAL RECESSIVE; NEUROPATHY, HEREDITARY SENSORY, TYPE IIA. Identifiers: Orphanet 970, MedGen C2752089, MONDO:0024309, OMIM 201300.
Pseudohypoaldosteronism type 2C (PHA2C). Also called: Pseudohypoaldosteronism Type IIC. Identifiers: Orphanet 757, Orphanet 88940, MedGen C1840391, MONDO:0013778, OMIM 614492.

Submission:

Labcorp Genetics (formerly Invitae), Labcorp
Classification: Uncertain significance for Neuropathy, hereditary sensory and autonomic, type 2A; Pseudohypoaldosteronism type 2C. Last evaluated: 2024-10-16. Review status: criteria provided, single submitter. Criteria: Invitae Variant Classification Sherloc (09022015). Collection method: clinical testing. Allele origin: germline.
Comment: This sequence change replaces glycine, which is neutral and non-polar, with valine, which is neutral and non-polar, at codon 1808 of the WNK1 protein (p.Gly1808Val). This variant is not present in population databases (gnomAD no frequency). This variant has not been reported in the literature in individuals affected with WNK1-related conditions. ClinVar contains an entry for this variant (Variation ID: 2015177). Invitae Evidence Modeling of protein sequence and biophysical properties (such as structural, functional, and spatial information, amino acid conservation, physicochemical variation, residue mobility, and thermodynamic stability) indicates that this missense variant is not expected to disrupt WNK1 protein function with a negative predictive value of 95%. In summary, the available evidence is currently insufficient to determine the role of this variant in disease. Therefore, it has been classified as a Variant of Uncertain Significance.